The following is an entry in ClinVar:

NM_001145715.3(KPNA7):c.285-3T>C

Gene: KPNA7 (karyopherin subunit alpha 7; minus strand). Cytogenetic location: 7q22.1.
Variant type: single nucleotide variant.
Coding change: c.285-3T>C on transcript NM_001145715.3 (MANE Select); 3 bases into the intron before coding-DNA position 285, T replaced by C.
Molecular consequence: intron variant.
Genome position (GRCh38, 1-based): chr7:99,195,341, A>G on the plus strand (T>C on the coding strand, the complement: KPNA7 is on the minus strand). VCF-style: chr7-99195341-A-G. GRCh37 (hg19) VCF-style: chr7-98792964-A-G.
Identifiers: ClinVar variation 1019426 (VCV001019426.7), dbSNP rs1160646532, ClinGen allele CA576719993.

ClinVar aggregate classification (germline): Uncertain significance (1 of 4 stars; one submission).

Allele frequency attached by ClinVar (database versions not stated): TOPMed below 0.00001; gnomAD 0.00001; gnomAD exomes 0.00001 and 0.00002.
gnomAD v4.1: 24 of 1,550,432 alleles (0.0015%); highest among the groups gnomAD compares: East Asian, 0.059%; no homozygotes.

Submission:

Labcorp Genetics (formerly Invitae), Labcorp
Classification: Uncertain significance. Last evaluated: 2021-02-15. Review status: criteria provided, single submitter. Criteria: Invitae Variant Classification Sherloc (09022015). Collection method: clinical testing. Allele origin: germline.
Comment: In summary, the available evidence is currently insufficient to determine the role of this variant in disease. Therefore, it has been classified as a Variant of Uncertain Significance. Nucleotide substitutions within the consensus splice site are a relatively common cause of aberrant splicing (PMID: 17576681, 9536098). Algorithms developed to predict the effect of sequence changes on RNA splicing suggest that this variant is not likely to affect RNA splicing, but this prediction has not been confirmed by published transcriptional studies. This variant has not been reported in the literature in individuals with KPNA7-related conditions. This variant is not present in population databases (ExAC no frequency). This sequence change falls in intron 3 of the KPNA7 gene. It does not directly change the encoded amino acid sequence of the KPNA7 protein, but it affects a nucleotide within the consensus splice site of the intron.

Literature cited by the submitters: PubMed 17576681; PubMed 9536098.